The following is an entry in ClinVar:

ClinVar aggregate classification (germline): Pathogenic (1 of 4 stars; one submission).

Conditions:
Curry-Hall syndrome (WAD). Also called: WEYERS ACRODENTAL DYSOSTOSIS. Identifiers: Orphanet 952, MedGen C0457013, MONDO:0008673, OMIM 193530.
Ellis-van Creveld syndrome (EVC). Also called: EVC-Related Ellis-van Creveld Syndrome; EVC2-Related Ellis-van Creveld Syndrome; MESOECTODERMAL DYSPLASIA; Chondroectodermal dysplasia. Identifiers: Orphanet 289, MedGen C0013903, MONDO:0009162, OMIM 225500.

Submission:

Labcorp Genetics (formerly Invitae), Labcorp
Classification: Pathogenic for Curry-Hall syndrome; Ellis-van Creveld syndrome. Last evaluated: 2022-10-25. Review status: criteria provided, single submitter. Criteria: Invitae Variant Classification Sherloc (09022015). Collection method: clinical testing. Allele origin: germline.
Comment: Information on the frequency of this variant in the gnomAD database is not available, as this variant may be reported differently in the database. For these reasons, this variant has been classified as Pathogenic. This variant disrupts a region of the EVC protein in which other variant(s) (p.Gly35Asp) have been observed in individuals with EVC-related conditions (Invitae). This suggests that this is a clinically significant region of the protein, and that variants that disrupt it are likely to be disease-causing. Disruption of the initiator codon has been observed in individuals with Ellis-van Creveld syndrome (PMID: 19810119, 28854412). It has also been observed to segregate with disease in related individuals. This sequence change affects the initiator methionine of the EVC mRNA. The next in-frame methionine is located at codon 92.

Literature cited by the submitters: PubMed 19810119; PubMed 28854412.

NM_153717.3(EVC):c.-1_1delinsTT (p.Met1Leu)

Genes: EVC (EvC ciliary complex subunit 1; plus strand), LOC129992144 (ATAC-STARR-seq lymphoblastoid silent region 15223; plus strand). Cytogenetic location: 4p16.2.
Variant type: Indel.
Coding change: c.-1_1delinsTT on transcript NM_153717.3 (MANE Select); 1 bases upstream of the start codon through coding-DNA position 1, GA replaced by TT.
Protein change: p.Met1Leu; changes the start codon (methionine 1).
Molecular consequence: missense variant, initiator codon variant.
Genome position (GRCh38, 1-based): chr4:5,711,380-5,711,381, GA replaced by TT. VCF-style: chr4-5711380-GA-TT. GRCh37 (hg19) VCF-style: chr4-5713107-GA-TT.
Other names: c.-1_1delinsTT, p.Met1Leu (NM_001306090.2, NM_001306092.2); short protein forms M1L.
Identifiers: ClinVar variation 2936900 (VCV002936900.3), dbSNP rs2474190601, ClinGen allele CA2740091154.